The following is an entry in ClinVar:

NM_022168.4(IFIH1):c.2400A>C (p.Glu800Asp)

Gene: IFIH1 (interferon induced with helicase C domain 1; minus strand). Cytogenetic location: 2q24.2.
Variant type: single nucleotide variant.
Coding change: c.2400A>C on transcript NM_022168.4 (MANE Select); coding-DNA position 2400, A replaced by C.
Protein change: p.Glu800Asp; replaces glutamic acid 800 with aspartic acid.
Molecular consequence: missense variant.
Genome position (GRCh38, 1-based): chr2:162,273,849, T>G on the plus strand (A>C on the coding strand, the complement: IFIH1 is on the minus strand). VCF-style: chr2-162273849-T-G. GRCh37 (hg19) VCF-style: chr2-163130359-T-G.
Other names: short protein forms E800D.
Identifiers: ClinVar variation 2948950 (VCV002948950.3), dbSNP rs2468954484, ClinGen allele CA348995878.

ClinVar aggregate classification (germline): Uncertain significance (1 of 4 stars; one submission).

Conditions:
Aicardi-Goutieres syndrome 7 (AGS7). Identifiers: Orphanet 51, MedGen C3888244, MONDO:0014367, OMIM 615846.
Singleton-Merten syndrome 1 (SGMRT1). Also called: Widened medullary cavities of bone, aortic calcification, abnormal dentition, and muscular weakness; Syndrome of widened medullary cavities of the metacarpals and phalanges, aortic calcification and abnormal dentition. Identifiers: Orphanet 85191, MedGen C4225427, MONDO:0024535, OMIM 182250.

Submission:

Labcorp Genetics (formerly Invitae), Labcorp
Classification: Uncertain significance for Aicardi-Goutieres syndrome 7; Singleton-Merten syndrome 1. Last evaluated: 2025-03-20. Review status: criteria provided, single submitter. Criteria: Invitae Variant Classification Sherloc (09022015). Collection method: clinical testing. Allele origin: germline.
Comment: This sequence change replaces glutamic acid, which is acidic and polar, with aspartic acid, which is acidic and polar, at codon 800 of the IFIH1 protein (p.Glu800Asp). This variant is not present in population databases (gnomAD no frequency). This variant has not been reported in the literature in individuals affected with IFIH1-related conditions. ClinVar contains an entry for this variant (Variation ID: 2948950). Invitae Evidence Modeling of protein sequence and biophysical properties (such as structural, functional, and spatial information, amino acid conservation, physicochemical variation, residue mobility, and thermodynamic stability) has been performed for this missense variant. However, the output from this modeling did not meet the statistical confidence thresholds required to predict the impact of this variant on IFIH1 protein function. In summary, the available evidence is currently insufficient to determine the role of this variant in disease. Therefore, it has been classified as a Variant of Uncertain Significance.